The following is an entry in ClinVar:

ClinVar aggregate classification (germline): Uncertain significance (1 of 4 stars; one submission).

Submission:

GeneDx
Classification: Uncertain significance. Last evaluated: 2026-02-17. Review status: criteria provided, single submitter. Criteria: GeneDx Variant Classification Process June 2021. Collection method: clinical testing. Allele origin: germline.
Comment: Not observed at significant frequency in large population cohorts (gnomAD); In silico analysis suggests that this missense variant does not alter protein structure/function; Has not been previously published as pathogenic or benign to our knowledge

NM_000334.4(SCN4A):c.1507G>A (p.Gly503Ser)

Gene: SCN4A (sodium voltage-gated channel alpha subunit 4; minus strand). Cytogenetic location: 17q23.3.
Variant type: single nucleotide variant.
Coding change: c.1507G>A on transcript NM_000334.4 (MANE Select); coding-DNA position 1507, G replaced by A.
Protein change: p.Gly503Ser; replaces glycine 503 with serine.
Molecular consequence: missense variant.
Genome position (GRCh38, 1-based): chr17:63,963,771, C>T on the plus strand (G>A on the coding strand, the complement: SCN4A is on the minus strand). VCF-style: chr17-63963771-C-T. GRCh37 (hg19) VCF-style: chr17-62041131-C-T.
Other names: short protein forms G503S.
Identifiers: ClinVar variation 5009612 (VCV005009612.1).
Genomic context (GRCh38, chr17:63,963,771, plus strand): 5'-TCTGCCTCGGGGCTCCCTTCTCCCCTTGCGATGTGTCCAGGCTGCCATTGCAGTCTTTGC[C>T]ATGGGCTGGGTCCCCATCTGCCTCCCCACCTTCCAGAGCTTGGGCGGCCTTGGCCTGTAG-3'
Protein context (NP_000325.4, residues 493-513): GGEADGDPAH[Gly503Ser]KDCNGSLDTS